The following is an entry in ClinVar:

ClinVar aggregate classification (germline): Uncertain significance. Review status: criteria provided, multiple submitters, no conflicts (2 of 4 stars). 3 submissions from 3 submitters: Uncertain significance (3). Last evaluated 2024-08-02.

Conditions:
Hereditary cancer-predisposing syndrome. Also called: Hereditary Cancer Syndrome; Tumor predisposition; Hereditary neoplastic syndrome; Neoplastic Syndromes, Hereditary. Identifiers: Orphanet 140162, MedGen C0027672, MeSH D009386, MONDO:0015356.
Fanconi anemia complementation group O. Also called: RAD51C-Related Fanconi Anemia. Identifiers: Orphanet 84, MedGen C3150653, MONDO:0013248, OMIM 613390.
Breast-ovarian cancer, familial, susceptibility to, 3. Also called: RAD51C-Related Breast/Ovarian Cancer. Identifiers: Orphanet 145, MedGen C3150659, MONDO:0013253, OMIM 613399.

Submissions (3):

Ambry Genetics
Classification: Uncertain significance for Hereditary cancer-predisposing syndrome. Last evaluated: 2024-08-02. Review status: criteria provided, single submitter. Criteria: Ambry Variant Classification Scheme 2023. Collection method: clinical testing. Allele origin: germline.
Comment: The p.D167G variant (also known as c.500A>G), located in coding exon 3 of the RAD51C gene, results from an A to G substitution at nucleotide position 500. The aspartic acid at codon 167 is replaced by glycine, an amino acid with similar properties. This amino acid position is not well conserved in available vertebrate species. In addition, this alteration is predicted to be tolerated by in silico analysis. Based on the available evidence, the clinical significance of this variant remains unclear.

Baylor Genetics
Classification: Uncertain significance for Breast-ovarian cancer, familial, susceptibility to, 3. Last evaluated: 2024-02-20. Review status: criteria provided, single submitter. Criteria: ACMG Guidelines, 2015. Collection method: clinical testing. Allele origin: unknown.

Labcorp Genetics (formerly Invitae), Labcorp
Classification: Uncertain significance for Fanconi anemia complementation group O. Last evaluated: 2022-03-18. Review status: criteria provided, single submitter. Criteria: Invitae Variant Classification Sherloc (09022015). Collection method: clinical testing. Allele origin: germline.
Comment: This sequence change replaces aspartic acid, which is acidic and polar, with glycine, which is neutral and non-polar, at codon 167 of the RAD51C protein (p.Asp167Gly). This variant is not present in population databases (gnomAD no frequency). This variant has not been reported in the literature in individuals affected with RAD51C-related conditions. ClinVar contains an entry for this variant (Variation ID: 1053502). Algorithms developed to predict the effect of missense changes on protein structure and function are either unavailable or do not agree on the potential impact of this missense change (SIFT: "Deleterious"; PolyPhen-2: "Benign"; Align-GVGD: "Class C0"). In summary, the available evidence is currently insufficient to determine the role of this variant in disease. Therefore, it has been classified as a Variant of Uncertain Significance.

NM_058216.3(RAD51C):c.500A>G (p.Asp167Gly)

Gene: RAD51C (RAD51 paralog C; plus strand). Cytogenetic location: 17q22.
Variant type: single nucleotide variant.
Coding change: c.500A>G on transcript NM_058216.3 (MANE Select); coding-DNA position 500, A replaced by G.
Protein change: p.Asp167Gly; replaces aspartic acid 167 with glycine.
Molecular consequence: missense variant.
Genome position (GRCh38, 1-based): chr17:58,696,788, A>G. VCF-style: chr17-58696788-A-G. GRCh37 (hg19) VCF-style: chr17-56774149-A-G.
Other names: short protein forms D167G.
Identifiers: ClinVar variation 1053502 (VCV001053502.10), dbSNP rs1598460593, ClinGen allele CA400344918.
Genomic context (GRCh38, chr17:58,696,788, plus strand): 5'-GTTTTGGAGGAGTGGCAGGTGAAGCAGTTTTTATTGATACAGAGGGAAGTTTTATGGTTG[A>G]TAGAGTGGTAGACCTTGCTACTGCCTGCATTCAGCACCTTCAGCTTATAGCAGAAAAACA-3'
Protein context (NP_478123.1, residues 157-177): FIDTEGSFMV[Asp167Gly]RVVDLATACI